The following is an entry in ClinVar:

ClinVar aggregate classification (germline): Uncertain significance (1 of 4 stars; one submission).

gnomAD v4.1: 1 of 1,614,180 alleles (0.000062%); highest among the groups gnomAD compares: Admixed American, 0.0017%; no homozygotes.

Submission:

Ambry Genetics
Classification: Uncertain significance. Last evaluated: 2025-03-06. Review status: criteria provided, single submitter. Criteria: Ambry Variant Classification Scheme 2023. Collection method: clinical testing. Allele origin: germline.
Comment: The p.S1475G variant (also known as c.4423A>G), located in coding exon 40 of the KIF1B gene, results from an A to G substitution at nucleotide position 4423. The serine at codon 1475 is replaced by glycine, an amino acid with similar properties. This amino acid position is conserved. In addition, this alteration is predicted to be tolerated by in silico analysis. Based on the available evidence, the clinical significance of this variant remains unclear.

NM_001365951.3(KIF1B):c.4561A>G (p.Ser1521Gly)

Gene: KIF1B (kinesin family member 1B; plus strand). Cytogenetic location: 1p36.22.
Variant type: single nucleotide variant.
Coding change: c.4561A>G on transcript NM_001365951.3 (MANE Select); coding-DNA position 4561, A replaced by G.
Protein change: p.Ser1521Gly; replaces serine 1521 with glycine.
Molecular consequence: missense variant.
Genome position (GRCh38, 1-based): chr1:10,365,457, A>G. VCF-style: chr1-10365457-A-G. GRCh37 (hg19) VCF-style: chr1-10425515-A-G.
Other names: c.4561A>G, p.Ser1521Gly (NM_001365952.1); c.4423A>G, p.Ser1475Gly (NM_015074.3); short protein forms S1475G, S1521G.
Identifiers: ClinVar variation 3864121 (VCV003864121.1).